The following is an entry in ClinVar:

NM_024537.4(CARS2):c.408C>T (p.Pro136=)

Gene: CARS2 (cysteinyl-tRNA synthetase 2, mitochondrial; minus strand). Cytogenetic location: 13q34.
Variant type: single nucleotide variant.
Coding change: c.408C>T on transcript NM_024537.4 (MANE Select); coding-DNA position 408, C replaced by T.
Protein change: p.Pro136=; no amino-acid change (proline 136 retained).
Molecular consequence: synonymous variant. On other transcripts: 5 prime UTR variant (1), non-coding transcript variant (2).
Genome position (GRCh38, 1-based): chr13:110,688,004, G>A on the plus strand (C>T on the coding strand, the complement: CARS2 is on the minus strand). VCF-style: chr13-110688004-G-A. GRCh37 (hg19) VCF-style: chr13-111340351-G-A.
Other names: c.-592C>T (NM_001352252.2); c.408C>T, p.Pro136= (NM_001352253.3).
Identifiers: ClinVar variation 776904 (VCV000776904.29), dbSNP rs755243580, ClinGen allele CA7052264.

ClinVar aggregate classification (germline): Likely benign. Review status: criteria provided, multiple submitters, no conflicts (2 of 4 stars). 3 submissions from 3 submitters: Likely benign (3). Last evaluated 2026-09-01.

Conditions:
Combined oxidative phosphorylation defect type 27. Also called: Combined oxidative phosphorylation deficiency 27. Identifiers: Orphanet 477774, MedGen C5567608, MONDO:0014728, OMIM 616672.

Allele frequency attached by ClinVar (database versions not stated): gnomAD 0.00001; gnomAD exomes 0.00002 and 0.00006; TOPMed 0.00003; ExAC 0.00010.
gnomAD v4.1: 32 of 1,609,562 alleles (0.002%); highest among the groups gnomAD compares: Admixed American, 0.018%; no homozygotes.

Submissions (3):

CeGaT Center for Human Genetics Tuebingen
Classification: Likely benign. Last evaluated: 2026-09-01. Review status: criteria provided, single submitter. Criteria: CeGaT Center For Human Genetics Tuebingen Variant Classification Criteria Version 2. Collection method: clinical testing. Allele origin: germline. Affected: yes. Observed: 2 variant alleles.
Comment: CARS2: BP4, BP7

Labcorp Genetics (formerly Invitae), Labcorp
Classification: Likely benign for Combined oxidative phosphorylation defect type 27. Last evaluated: 2024-11-18. Review status: criteria provided, single submitter. Criteria: Invitae Variant Classification Sherloc (09022015). Collection method: clinical testing. Allele origin: germline.

Breakthrough Genomics
Classification: Likely benign. Review status: criteria provided, single submitter. Criteria: ACMG Guidelines, 2015. Collection method: not provided. Allele origin: germline. Inheritance: Autosomal recessive inheritance. Affected: yes.